The following is an entry in ClinVar:

ClinVar aggregate classification (germline): Uncertain significance (1 of 4 stars; one submission).

Conditions:
POLD1-related polyposis and colorectal cancer syndrome (CRCS10). Also called: Colorectal cancer, susceptibility to, 10; Colorectal cancer 10; COLORECTAL CANCER, SUSCEPTIBILITY TO, ON CHROMOSOME 19q. Identifiers: Orphanet 220460, MedGen C2675481, MONDO:0012953, OMIM 612591.

Submission:

Labcorp Genetics (formerly Invitae), Labcorp
Classification: Uncertain significance for POLD1-related polyposis and colorectal cancer syndrome. Last evaluated: 2021-11-24. Review status: criteria provided, single submitter. Criteria: Invitae Variant Classification Sherloc (09022015). Collection method: clinical testing. Allele origin: germline.
Comment: In summary, the available evidence is currently insufficient to determine the role of this variant in disease. Therefore, it has been classified as a Variant of Uncertain Significance. Algorithms developed to predict the effect of missense changes on protein structure and function are either unavailable or do not agree on the potential impact of this missense change (SIFT: "Deleterious"; PolyPhen-2: "Probably Damaging"; Align-GVGD: "Class C0"). This variant has not been reported in the literature in individuals affected with POLD1-related conditions. This variant is not present in population databases (gnomAD no frequency). This sequence change replaces cysteine, which is neutral and slightly polar, with tyrosine, which is neutral and polar, at codon 512 of the POLD1 protein (p.Cys512Tyr).

NM_002691.4(POLD1):c.1535G>A (p.Cys512Tyr)

Gene: POLD1 (DNA polymerase delta 1, catalytic subunit; plus strand). Cytogenetic location: 19q13.33.
Variant type: single nucleotide variant.
Coding change: c.1535G>A on transcript NM_002691.4 (MANE Select); coding-DNA position 1535, G replaced by A.
Protein change: p.Cys512Tyr; replaces cysteine 512 with tyrosine.
Molecular consequence: missense variant. On other transcripts: non-coding transcript variant (1).
Genome position (GRCh38, 1-based): chr19:50,407,023, G>A. VCF-style: chr19-50407023-G-A. GRCh37 (hg19) VCF-style: chr19-50910280-G-A.
Other names: c.1535G>A, p.Cys512Tyr (NM_001256849.1, NM_001308632.1); short protein forms C512Y.
Identifiers: ClinVar variation 1394844 (VCV001394844.6), dbSNP rs2122336804, ClinGen allele CA406980822.